The following is an entry in ClinVar:

ClinVar aggregate classification (germline): Uncertain significance (1 of 4 stars; one submission).

Conditions:
Renal cell carcinoma. Identifiers: Orphanet 217071, MedGen C0007134, MeSH D002292, MONDO:0005086, HP:0005584.

Submission:

Labcorp Genetics (formerly Invitae), Labcorp
Classification: Uncertain significance for Renal cell carcinoma. Last evaluated: 2023-10-11. Review status: criteria provided, single submitter. Criteria: Invitae Variant Classification Sherloc (09022015). Collection method: clinical testing. Allele origin: germline.
Comment: This sequence change replaces glycine, which is neutral and non-polar, with serine, which is neutral and polar, at codon 955 of the MET protein (p.Gly955Ser). This variant is not present in population databases (gnomAD no frequency). This variant has not been reported in the literature in individuals affected with MET-related conditions. Advanced modeling of protein sequence and biophysical properties (such as structural, functional, and spatial information, amino acid conservation, physicochemical variation, residue mobility, and thermodynamic stability) performed at Invitae indicates that this missense variant is expected to disrupt MET protein function. In summary, the available evidence is currently insufficient to determine the role of this variant in disease. Therefore, it has been classified as a Variant of Uncertain Significance.

NM_000245.4(MET):c.2809G>A (p.Gly937Ser)

Gene: MET (MET proto-oncogene, receptor tyrosine kinase; plus strand). Cytogenetic location: 7q31.2.
Variant type: single nucleotide variant.
Coding change: c.2809G>A on transcript NM_000245.4 (MANE Select); coding-DNA position 2809, G replaced by A.
Protein change: p.Gly937Ser; replaces glycine 937 with serine.
Molecular consequence: missense variant.
Genome position (GRCh38, 1-based): chr7:116,771,576, G>A. VCF-style: chr7-116771576-G-A. GRCh37 (hg19) VCF-style: chr7-116411630-G-A.
Other names: c.2863G>A, p.Gly955Ser (NM_001127500.3); c.1519G>A, p.Gly507Ser (NM_001324402.2); short protein forms G507S, G955S, G937S.
Identifiers: ClinVar variation 2975095 (VCV002975095.3), dbSNP rs2116992305, ClinGen allele CA368986552.